The following is an entry in ClinVar:

NM_000090.4(COL3A1):c.1691del (p.Gly564fs)

Gene: COL3A1 (collagen type III alpha 1 chain; plus strand). Cytogenetic location: 2q32.2.
Variant type: Deletion.
Coding change: c.1691del on transcript NM_000090.4 (MANE Select); coding-DNA position 1691, one base deleted (G; older notation c.1691delG).
Protein change: p.Gly564fs; shifts the reading frame from glycine 564.
Molecular consequence: frameshift variant.
Genome position (GRCh38, 1-based): chr2:188,996,426, G deleted; the last of 2 consecutive G bases (chr2:188,996,425-188,996,426); deleting either gives the same sequence. VCF-style (leftmost placement, unchanged base first): chr2-188996424-AG-A. GRCh37 (hg19) VCF-style: chr2-189861150-AG-A.
Other names: short protein forms G564fs.
Identifiers: ClinVar variation 3626675 (VCV003626675.3).

ClinVar aggregate classification (germline): Pathogenic. Review status: criteria provided, multiple submitters, no conflicts (2 of 4 stars). 2 submissions from 2 submitters: Pathogenic (2). Last evaluated 2025-12-01.

Conditions:
Familial thoracic aortic aneurysm and aortic dissection (TAAD). Also called: Thoracic aortic aneurysms and dissections. Identifiers: Orphanet 91387, MedGen C4707243, MONDO:0019625.
Ehlers-Danlos syndrome, type 4 (EDSVASC). Also called: Ehlers-Danlos syndrome vascular type; Ehlers Danlos syndrome, ecchymotic type; Ehlers Danlos syndrome, arterial type; Ehlers Danlos syndrome, Sack-Barabas type; Ehlers-Danlos Syndrome Type IV. Identifiers: Orphanet 286, MedGen C0268338, MONDO:0017314, OMIM 130050.

Submissions (2):

Ambry Genetics
Classification: Pathogenic for Familial thoracic aortic aneurysm and aortic dissection. Last evaluated: 2025-12-01. Review status: criteria provided, single submitter. Criteria: Ambry Variant Classification Scheme 2023. Collection method: clinical testing. Allele origin: germline.
Comment: The c.1691delG pathogenic mutation, located in coding exon 24 of the COL3A1 gene, results from a deletion of one nucleotide at nucleotide position 1691, causing a translational frameshift with a predicted alternate stop codon (p.G564Vfs*227). This variant was reported in individual(s) with features consistent with vascular Ehlers-Danlos syndrome (Ambry internal data). This variant is considered to be rare based on population cohorts in the Genome Aggregation Database (gnomAD). This alteration is expected to result in loss of function by premature protein truncation or nonsense-mediated mRNA decay. As such, this alteration is interpreted as a disease-causing mutation.

Labcorp Genetics (formerly Invitae), Labcorp
Classification: Pathogenic for Ehlers-Danlos syndrome, type 4. Last evaluated: 2025-03-26. Review status: criteria provided, single submitter. Criteria: Invitae Variant Classification Sherloc (09022015). Collection method: clinical testing. Allele origin: germline.
Comment: This sequence change creates a premature translational stop signal (p.Gly564Valfs*227) in the COL3A1 gene. It is expected to result in an absent or disrupted protein product. Loss-of-function variants in COL3A1 are known to be pathogenic (PMID: 24922459). This variant is not present in population databases (gnomAD no frequency). This variant has not been reported in the literature in individuals affected with COL3A1-related conditions. For these reasons, this variant has been classified as Pathogenic.

Literature cited by the submitters: PubMed 24922459 (cited by Labcorp Genetics (formerly Invitae), Labcorp).